The following is an entry in ClinVar:

NM_015122.3(FCHO1):c.733G>A (p.Val245Met)

Gene: FCHO1 (FCH and mu domain containing endocytic adaptor 1; plus strand). Cytogenetic location: 19p13.11.
Variant type: single nucleotide variant.
Coding change: c.733G>A on transcript NM_015122.3 (MANE Select); coding-DNA position 733, G replaced by A.
Protein change: p.Val245Met; replaces valine 245 with methionine.
Molecular consequence: missense variant. On other transcripts: non-coding transcript variant (34).
Genome position (GRCh38, 1-based): chr19:17,772,684, G>A. VCF-style: chr19-17772684-G-A. GRCh37 (hg19) VCF-style: chr19-17883493-G-A.
Other names: c.733G>A, p.Val245Met (NM_001161357.2, NM_001161358.2, NM_001384370.1 and 26 more transcripts); c.583G>A, p.Val195Met (NM_001161359.2, NM_001384384.1, NM_001384385.1 and 3 more transcripts); c.694G>A, p.Val232Met (NM_001384388.1, NM_001384389.1, NM_001384405.1); c.658G>A, p.Val220Met (NM_001384390.1); short protein forms V220M, V232M, V245M, V195M.
Identifiers: ClinVar variation 1524143 (VCV001524143.8), dbSNP rs746817599, ClinGen allele CA9300204.

ClinVar aggregate classification (germline): Uncertain significance (1 of 4 stars; one submission).

Allele frequency attached by ClinVar (database versions not stated): gnomAD exomes below 0.00001; ExAC 0.00001; gnomAD 0.00001.
gnomAD v4.1: 13 of 1,614,052 alleles (0.00081%); highest among the groups gnomAD compares: Non-Finnish European, 0.0011%; no homozygotes.

Submission:

Labcorp Genetics (formerly Invitae), Labcorp
Classification: Uncertain significance. Last evaluated: 2020-10-31. Review status: criteria provided, single submitter. Criteria: Invitae Variant Classification Sherloc (09022015). Collection method: clinical testing. Allele origin: germline.
Comment: In summary, the available evidence is currently insufficient to determine the role of this variant in disease. Therefore, it has been classified as a Variant of Uncertain Significance. Algorithms developed to predict the effect of missense changes on protein structure and function are either unavailable or do not agree on the potential impact of this missense change (SIFT: "Deleterious"; PolyPhen-2: "Probably Damaging"; Align-GVGD: "Class C0"). This variant has not been reported in the literature in individuals with FCHO1-related conditions. This variant is present in population databases (rs746817599, ExAC 0.001%). This sequence change replaces valine with methionine at codon 245 of the FCHO1 protein (p.Val245Met). The valine residue is highly conserved and there is a small physicochemical difference between valine and methionine.